The following is an entry in ClinVar:

NC_000023.11:g.155022809A>C

Gene: F8 (coagulation factor VIII; minus strand). Cytogenetic location: Xq28.
Variant type: single nucleotide variant.
Genome position: GRCh38 VCF-style: chrX-155022809-A-C. GRCh37 (hg19) VCF-style: chrX-154251084-A-C.
Identifiers: ClinVar variation 5039689 (VCV005039689.1).

ClinVar aggregate classification (germline): Uncertain significance (1 of 4 stars; one submission).

Submission:

CeGaT Center for Human Genetics Tuebingen
Classification: Uncertain significance. Last evaluated: 2026-09-01. Review status: criteria provided, single submitter. Criteria: CeGaT Center For Human Genetics Tuebingen Variant Classification Criteria Version 2. Collection method: clinical testing. Allele origin: germline. Affected: yes. Observed: 1 variant allele.
Comment: F8: PM2, PP1:Moderate, PS3:Supporting